The following is an entry in ClinVar:

ClinVar aggregate classification (germline): Pathogenic/Likely pathogenic. Review status: criteria provided, multiple submitters, no conflicts (2 of 4 stars). 3 submissions from 3 submitters: Pathogenic (1); Likely pathogenic (1). 1 of the submissions does not count toward it. Last evaluated 2025-06-12.

Conditions:
Finnish congenital nephrotic syndrome (NPHS1). Also called: NEPHROTIC SYNDROME, TYPE 1. Identifiers: Orphanet 839, MedGen C0403399, MONDO:0009732, OMIM 256300.

Submissions (3):

Labcorp Genetics (formerly Invitae), Labcorp
Classification: Pathogenic. Last evaluated: 2025-06-12. Review status: criteria provided, single submitter. Criteria: Invitae Variant Classification Sherloc (09022015). Collection method: clinical testing. Allele origin: germline.
Comment: This sequence change creates a premature translational stop signal (p.Ala658Argfs*52) in the NPHS1 gene. It is expected to result in an absent or disrupted protein product. Loss-of-function variants in NPHS1 are known to be pathogenic (PMID: 11317351, 11854170, 12039988). This variant is not present in population databases (gnomAD no frequency). This variant has not been reported in the literature in individuals affected with NPHS1-related conditions. ClinVar contains an entry for this variant (Variation ID: 371118). For these reasons, this variant has been classified as Pathogenic.

Baylor Genetics
Classification: Likely pathogenic for Finnish congenital nephrotic syndrome. Last evaluated: 2024-03-28. Review status: criteria provided, single submitter. Criteria: ACMG Guidelines, 2015. Collection method: clinical testing. Allele origin: unknown.

Counsyl
Classification: Likely pathogenic for Finnish congenital nephrotic syndrome. Last evaluated: 2016-07-12. Review status: no assertion criteria provided. Collection method: clinical testing. Allele origin: unknown. Not counted in ClinVar's aggregate classification.

Literature cited by the submitters: PubMed 11317351 (cited by Labcorp Genetics (formerly Invitae), Labcorp); PubMed 11854170 (cited by Labcorp Genetics (formerly Invitae), Labcorp); PubMed 12039988 (cited by Labcorp Genetics (formerly Invitae), Labcorp).

NM_004646.4(NPHS1):c.1971del (p.Ala658fs)

Gene: NPHS1 (NPHS1 adhesion molecule, nephrin; minus strand). Cytogenetic location: 19q13.12.
Variant type: Deletion.
Coding change: c.1971del on transcript NM_004646.4 (MANE Select); coding-DNA position 1971, one base deleted (C; older notation c.1971delC).
Protein change: p.Ala658fs; shifts the reading frame from alanine 658.
Molecular consequence: frameshift variant.
Genome position (GRCh38, 1-based): chr19:35,844,419, G deleted on the plus strand (C on the coding strand, the reverse complement: NPHS1 is on the minus strand); the first of 2 consecutive G bases (chr19:35,844,419-35,844,420); deleting either gives the same sequence. VCF-style (leftmost placement, unchanged base first): chr19-35844418-CG-C. GRCh37 (hg19) VCF-style: chr19-36335320-CG-C.
Other names: c.1971delC (NM_004646.3); short protein forms A658fs.
Identifiers: ClinVar variation 371118 (VCV000371118.10), dbSNP rs1057517022, ClinGen allele CA16041977.